The following is an entry in ClinVar:

ClinVar aggregate classification (germline): Likely benign (1 of 4 stars; one submission).

Conditions:
APC-related disorder. Also called: APC-related condition.

gnomAD v4.1: 2 of 152,204 alleles (0.0013%); highest among the groups gnomAD compares: African/African-American, 0.0024%; no homozygotes.

Submission:

PreventionGenetics, part of Exact Sciences
Classification: Likely benign for APC-related condition. Last evaluated: 2026-01-05. Review status: criteria provided, single submitter. Criteria: ACMG Guidelines, 2015. Collection method: clinical testing. Allele origin: germline.
Comment: This variant is classified as likely benign based on ACMG/AMP sequence variant interpretation guidelines (Richards et al. 2015 PMID: 25741868, with internal and published modifications).

NM_001127511.3(APC):c.166-29165A>G

Gene: APC (APC regulator of Wnt signaling pathway; plus strand). Cytogenetic location: 5q22.2.
Variant type: single nucleotide variant.
Coding change: c.166-29165A>G on transcript NM_001127511.3; 29165 bases into the intron before coding-DNA position 166, A replaced by G.
Molecular consequence: intron variant.
Genome position (GRCh38, 1-based): chr5:112,737,161, A>G. VCF-style: chr5-112737161-A-G. GRCh37 (hg19) VCF-style: chr5-112072858-A-G.
Other names: c.-18-17712A>G (NM_001407447.1, NM_001354895.2, NM_001407456.1 and 7 more transcripts); c.166-29165A>G (NM_001407446.1, NM_001354897.2, NM_001354902.2); c.-1053-17712A>G (NM_001407470.1, NM_001407472.1); c.-42-29165A>G (NM_001407453.1).
Identifiers: ClinVar variation 4987702 (VCV004987702.1).